The following is an entry in ClinVar:

NM_030665.4(RAI1):c.3339C>T (p.Ala1113=)

Gene: RAI1 (retinoic acid induced 1; plus strand). Cytogenetic location: 17p11.2.
Variant type: single nucleotide variant.
Coding change: c.3339C>T on transcript NM_030665.4 (MANE Select); coding-DNA position 3339, C replaced by T.
Protein change: p.Ala1113=; no amino-acid change (alanine 1113 retained).
Molecular consequence: synonymous variant.
Genome position (GRCh38, 1-based): chr17:17,796,287, C>T. VCF-style: chr17-17796287-C-T. GRCh37 (hg19) VCF-style: chr17-17699601-C-T.
Identifiers: ClinVar variation 1575819 (VCV001575819.10), dbSNP rs1355601974, ClinGen allele CA498424440.

ClinVar aggregate classification (germline): Likely benign. Review status: criteria provided, multiple submitters, no conflicts (2 of 4 stars). 2 submissions from 2 submitters: Likely benign (2). Last evaluated 2026-04-01.

Allele frequency attached by ClinVar (database versions not stated): gnomAD exomes below 0.00001 and 0.00001; gnomAD 0.00002; TOPMed 0.00003.
gnomAD v4.1: 19 of 1,600,616 alleles (0.0012%); highest among the groups gnomAD compares: Admixed American, 0.0068%; no homozygotes.

Submissions (2):

CeGaT Center for Human Genetics Tuebingen
Classification: Likely benign. Last evaluated: 2026-04-01. Review status: criteria provided, single submitter. Criteria: CeGaT Center For Human Genetics Tuebingen Variant Classification Criteria Version 2. Collection method: clinical testing. Allele origin: germline. Affected: yes. Observed: 1 variant allele.
Comment: RAI1: BP4, BP7

Labcorp Genetics (formerly Invitae), Labcorp
Classification: Likely benign. Last evaluated: 2024-02-24. Review status: criteria provided, single submitter. Criteria: Invitae Variant Classification Sherloc (09022015). Collection method: clinical testing. Allele origin: germline.